The following is an entry in ClinVar:

ClinVar aggregate classification (germline): Uncertain significance (1 of 4 stars; one submission).

gnomAD v4.1: 9 of 1,613,992 alleles (0.00056%); highest among the groups gnomAD compares: East Asian, 0.02%; no homozygotes.

Submission:

Labcorp Genetics (formerly Invitae), Labcorp
Classification: Uncertain significance. Last evaluated: 2025-10-07. Review status: criteria provided, single submitter. Criteria: Invitae Variant Classification Sherloc (09022015). Collection method: clinical testing. Allele origin: germline.
Comment: This sequence change replaces arginine, which is basic and polar, with glycine, which is neutral and non-polar, at codon 69 of the SGMS2 protein (p.Arg69Gly). This variant is not present in population databases (gnomAD no frequency). This variant has not been reported in the literature in individuals affected with SGMS2-related conditions. Invitae Evidence Modeling of protein sequence and biophysical properties (such as structural, functional, and spatial information, amino acid conservation, physicochemical variation, residue mobility, and thermodynamic stability) indicates that this missense variant is not expected to disrupt SGMS2 protein function with a negative predictive value of 80%. In summary, the available evidence is currently insufficient to determine the role of this variant in disease. Therefore, it has been classified as a Variant of Uncertain Significance.

NM_001375905.1(SGMS2):c.205A>G (p.Arg69Gly)

Genes: CYP2U1-AS1 (CYP2U1 and SGMS2 antisense RNA 1; minus strand), SGMS2 (sphingomyelin synthase 2; plus strand). Cytogenetic location: 4q25.
Variant type: single nucleotide variant.
Coding change: c.205A>G on transcript NM_001375905.1 (MANE Select); coding-DNA position 205, A replaced by G.
Protein change: p.Arg69Gly; replaces arginine 69 with glycine.
Molecular consequence: missense variant. On other transcripts: intron variant (1).
Genome position (GRCh38, 1-based): chr4:107,895,758, A>G. VCF-style: chr4-107895758-A-G. GRCh37 (hg19) VCF-style: chr4-108816914-A-G.
Other names: c.205A>G, p.Arg69Gly (NM_001136257.2, NM_001136258.2, NM_001375906.1 and 4 more transcripts); c.-64-3817A>G (NM_001375911.1); short protein forms R69G.
Identifiers: ClinVar variation 4763764 (VCV004763764.1).